The following is an entry in ClinVar:

ClinVar aggregate classification (germline): Uncertain significance (1 of 4 stars; one submission).

Conditions:
LZTFL1-related disorder. Also called: LZTFL1-related condition.

gnomAD v4.1: 19 of 1,611,244 alleles (0.0012%); highest among the groups gnomAD compares: Non-Finnish European, 0.0015%; no homozygotes.

Submission:

PreventionGenetics, part of Exact Sciences
Classification: Uncertain significance for LZTFL1-related condition. Last evaluated: 2024-10-10. Review status: criteria provided, single submitter. Criteria: ACMG Guidelines, 2015. Collection method: clinical testing. Allele origin: germline.
Comment: The LZTFL1 c.769T>C variant is predicted to result in extension of the open reading frame (p.*257Argext*2). To our knowledge, this variant has not been reported in the literature or in a large population database (gnomAD), indicating this variant is rare. Although we suspect that this variant may be benign, at this time, the clinical significance of this variant is uncertain due to the absence of conclusive functional and genetic evidence.

NM_020347.4(LZTFL1):c.885T>C (p.Tyr295=)

Gene: LZTFL1 (leucine zipper transcription factor like 1; minus strand). Cytogenetic location: 3p21.31.
Variant type: single nucleotide variant.
Coding change: c.885T>C on transcript NM_020347.4 (MANE Select); coding-DNA position 885, T replaced by C.
Protein change: p.Tyr295=; no amino-acid change (tyrosine 295 retained).
Molecular consequence: synonymous variant. On other transcripts: stop lost (6), non-coding transcript variant (2).
Genome position (GRCh38, 1-based): chr3:45,826,329, A>G on the plus strand (T>C on the coding strand, the complement: LZTFL1 is on the minus strand). VCF-style: chr3-45826329-A-G. GRCh37 (hg19) VCF-style: chr3-45867821-A-G.
Other names: c.834T>C, p.Tyr278= (NM_001276378.2, NM_001386451.1, NM_001405922.1 and 1 more transcripts); c.769T>C, p.Ter257Arg (NM_001276379.2); c.781T>C, p.Ter261Arg (NM_001386452.1); c.909T>C, p.Tyr303= (NM_001405920.1); c.873T>C, p.Tyr291= (NM_001405921.1); c.819T>C, p.Tyr273= (NM_001405924.1); c.805T>C, p.Ter269Arg (NM_001405925.1); c.730T>C, p.Ter244Arg (NM_001405926.1, NM_001405927.1, NM_001405928.1).
Identifiers: ClinVar variation 4987180 (VCV004987180.1).
Genomic context (GRCh38, chr3:45,826,329, plus strand): 5'-GCTTGTATGTTTGCATGTGGTAGCTTCCAGAGGAAATCTTCAGTTTTAATCTTCAGGTTC[A>G]TATCTGGAGATATAAATTAAGAACACAATGTCAGGATACCTTTTGTTGTTGTTATTACCA-3'
Protein context (NP_065080.1, residues 285-299): IKDLRKRLAQ[Tyr295=]EPED